The following is an entry in ClinVar:

ClinVar aggregate classification (germline): Conflicting classifications of pathogenicity. Review status: criteria provided, conflicting classifications (1 of 4 stars). 5 submissions from 5 submitters: Uncertain significance (1); Likely benign (3). 1 of the submissions does not count toward it. Last evaluated 2025-12-06.

Conditions:
LRP2-related disorder. Also called: LRP2-related condition.
Donnai-Barrow syndrome. Also called: DBS/FOAR SYNDROME; FACIOOCULOACOUSTICORENAL SYNDROME. Identifiers: Orphanet 2143, MedGen C1857277, MONDO:0009104, OMIM 222448.

Allele frequency attached by ClinVar (database versions not stated): gnomAD 0.00006; ESP Exome Variant Server 0.00008; TOPMed 0.00010; ExAC 0.00013.
gnomAD v4.1: 103 of 1,612,510 alleles (0.0064%); highest among the groups gnomAD compares: Middle Eastern, 0.099%; 1 homozygote.

Submissions (5):

Labcorp Genetics (formerly Invitae), Labcorp
Classification: Likely benign. Last evaluated: 2025-12-06. Review status: criteria provided, single submitter. Criteria: Invitae Variant Classification Sherloc (09022015). Collection method: clinical testing. Allele origin: germline.

Blueprint Genetics
Classification: Likely benign. Last evaluated: 2024-01-18. Review status: criteria provided, single submitter. Criteria: ACMG Guidelines, 2015. Collection method: clinical testing. Allele origin: germline.

Genome-Nilou Lab
Classification: Likely benign for Donnai-Barrow syndrome. Last evaluated: 2021-07-15. Review status: criteria provided, single submitter. Criteria: ACMG Guidelines, 2015. Collection method: clinical testing. Allele origin: germline. Affected: no.

Illumina Laboratory Services, Illumina
Classification: Uncertain significance for Donnai-Barrow syndrome. Last evaluated: 2018-01-13. Review status: criteria provided, single submitter. Criteria: ICSL Variant Classification Criteria 13 December 2019. Collection method: clinical testing. Allele origin: germline.

PreventionGenetics, part of Exact Sciences
Classification: Likely benign for LRP2-related condition. Last evaluated: 2020-02-19. Review status: no assertion criteria provided. Collection method: clinical testing. Allele origin: germline. Not counted in ClinVar's aggregate classification.
Comment: This variant is classified as likely benign based on ACMG/AMP sequence variant interpretation guidelines (Richards et al. 2015 PMID: 25741868, with internal and published modifications).

NM_004525.3(LRP2):c.630C>T (p.Asp210=)

Gene: LRP2 (LDL receptor related protein 2; minus strand). Cytogenetic location: 2q31.1.
Variant type: single nucleotide variant.
Coding change: c.630C>T on transcript NM_004525.3 (MANE Select); coding-DNA position 630, C replaced by T.
Protein change: p.Asp210=; no amino-acid change (aspartic acid 210 retained).
Molecular consequence: synonymous variant.
Genome position (GRCh38, 1-based): chr2:169,294,170, G>A on the plus strand (C>T on the coding strand, the complement: LRP2 is on the minus strand). VCF-style: chr2-169294170-G-A. GRCh37 (hg19) VCF-style: chr2-170150680-G-A.
Identifiers: ClinVar variation 726024 (VCV000726024.18), dbSNP rs368336310, ClinGen allele CA1955813.
Genomic context (GRCh38, chr2:169,294,170, plus strand): 5'-TCCCAACAACATGACCCAGCATAAAGAAATCACCGTACTGCAAGCATGTTCGTCACTGCC[G>A]TCTTGGCAATCATTGTCATGGTCACAGACATAAGCACGAGGGATACACTCTCCATTGCCA-3'
Protein context (NP_004516.2, residues 200-220): YVCDHDNDCQ[Asp210=]GSDEHACNYP